The following is an entry in ClinVar:

NM_052947.4(ALPK2):c.2405G>A (p.Cys802Tyr)

Gene: ALPK2 (alpha kinase 2; minus strand). Cytogenetic location: 18q21.31.
Variant type: single nucleotide variant.
Coding change: c.2405G>A on transcript NM_052947.4 (MANE Select); coding-DNA position 2405, G replaced by A.
Protein change: p.Cys802Tyr; replaces cysteine 802 with tyrosine.
Molecular consequence: missense variant.
Genome position (GRCh38, 1-based): chr18:58,537,782, C>T on the plus strand (G>A on the coding strand, the complement: ALPK2 is on the minus strand). VCF-style: chr18-58537782-C-T. GRCh37 (hg19) VCF-style: chr18-56205014-C-T.
Other names: short protein forms C802Y.
Identifiers: ClinVar variation 2449193 (VCV002449193.2), dbSNP rs772117344, ClinGen allele CA8977086.

ClinVar aggregate classification (germline): Uncertain significance (1 of 4 stars; one submission).

Allele frequency attached by ClinVar (database versions not stated): ExAC 0.00001.

Submission:

Ambry Genetics
Classification: Uncertain significance. Last evaluated: 2022-11-06. Review status: criteria provided, single submitter. Criteria: Ambry Variant Classification Scheme 2023. Collection method: clinical testing. Allele origin: germline.
Comment: The p.C802Y variant (also known as c.2405G>A), located in coding exon 4 of the ALPK2 gene, results from a G to A substitution at nucleotide position 2405. The cysteine at codon 802 is replaced by tyrosine, an amino acid with highly dissimilar properties. This amino acid position is conserved. In addition, this alteration is predicted to be tolerated by in silico analysis. Since supporting evidence is limited at this time, the clinical significance of this alteration remains unclear.